The following is an entry in ClinVar:

ClinVar aggregate classification (germline): Pathogenic/Likely pathogenic. Review status: criteria provided, multiple submitters, no conflicts (2 of 4 stars). 3 submissions from 3 submitters: Pathogenic (1); Likely pathogenic (2). Last evaluated 2024-12-23.

Conditions:
CDKL5 disorder. Identifiers: MedGen CN296942, MONDO:0100039.
Developmental and epileptic encephalopathy, 2 (DEE2). Also called: INFANTILE SPASM SYNDROME, X-LINKED 2; CDKL5 deficiency disorder. Identifiers: Orphanet 1934, Orphanet 3451, Orphanet 505652, MedGen C4750718, MONDO:0010396, OMIM 300672.

Submissions (3):

Centre for Population Genomics, CPG
Classification: Likely pathogenic for CDKL5 disorder. Last evaluated: 2024-12-23. Review status: criteria provided, single submitter. Criteria: McKnight et al. (Hum Mutat. 2022). Collection method: curation. Allele origin: germline. Inheritance: X-linked inheritance.
Comment: This variant has been collected from RettBASE and curated to current modified ACMG/AMP criteria. Based on the classification scheme defined by the ClinGen Rett/Angelman-like Expert Panel for Rett/AS-like Disorders Specifications to the ACMG/AMP Variant Interpretation Guidelines VCEP 3.0, this variant is classified as likely pathogenic. At least the following criteria are met: This variant has been identified as a de novo occurrence in at least 2 individuals with CDKL5 disorder, without confirmation of paternity and maternity (PM6_Strong, PMID: 36619507, PMID: 33951346). Occurs in the well-characterized ATP binding region of CDKL5 (PM1). Computational prediction analysis tools suggests a deleterious impact (REVEL score>= 0.75) (PP3). This variant is absent from gnomAD (PM2_Supporting).

CeGaT Center for Human Genetics Tuebingen
Classification: Pathogenic. Last evaluated: 2023-07-01. Review status: criteria provided, single submitter. Criteria: CeGaT Center For Human Genetics Tuebingen Variant Classification Criteria Version 2. Collection method: clinical testing. Allele origin: germline. Affected: yes. Observed: 1 variant allele.
Comment: CDKL5: PS2, PM1, PM2, PP2, PP3, PS4:Supporting

Diagnostic Genetics, Severance Hospital, Yonsei University College of Medicine
Classification: Likely pathogenic for Developmental and epileptic encephalopathy, 2. Last evaluated: 2022-02-03. Review status: criteria provided, single submitter. Criteria: ACMG Guidelines, 2015. Collection method: clinical testing. Allele origin: de novo. Affected: yes.

NM_001323289.2(CDKL5):c.80T>C (p.Val27Ala)

Gene: CDKL5 (cyclin dependent kinase like 5; plus strand). Cytogenetic location: Xp22.13.
Variant type: single nucleotide variant.
Coding change: c.80T>C on transcript NM_001323289.2 (MANE Select); coding-DNA position 80, T replaced by C.
Protein change: p.Val27Ala; replaces valine 27 with alanine.
Molecular consequence: missense variant.
Genome position (GRCh38, 1-based): chrX:18,510,835, T>C. VCF-style: chrX-18510835-T-C. GRCh37 (hg19) VCF-style: chrX-18528955-T-C.
Other names: NM_001323289.2(CDKL5):c.80T>C; p.Val27Ala; c.80T>C, p.Val27Ala (NM_001037343.2, NM_003159.3); short protein forms V27A.
Identifiers: ClinVar variation 1803084 (VCV001803084.26), dbSNP rs2518781128, ClinGen allele CA412489831.
Genomic context (GRCh38, chrX:18,510,835, plus strand): 5'-TAGTTTGTATGCGTGCCCTTGATTGTTTACTTCTTTTTATTATAGGAGCCTATGGAGTTG[T>C]ACTTAAATGCAGACACAAGGCAAGTACATTATTTTTAAAAAGAAATATCTGTATATGTTT-3'
Protein context (NP_001310218.1, residues 17-37): GVVGEGAYGV[Val27Ala]LKCRHKETHE